The following is an entry in ClinVar:

ClinVar aggregate classification (germline): Uncertain significance. Review status: criteria provided, multiple submitters, no conflicts (2 of 4 stars). 3 submissions from 3 submitters: Uncertain significance (3). Last evaluated 2025-08-21.

Conditions:
Inborn genetic diseases. Identifiers: MedGen C0950123, MeSH D030342.
Developmental and epileptic encephalopathy, 23 (DEE23). Also called: Epileptic encephalopathy, early infantile, 23. Identifiers: Orphanet 411986, MedGen C4014492, MONDO:0014371, OMIM 615859.

Allele frequency attached by ClinVar (database versions not stated): ExAC 0.00003; gnomAD exomes 0.00006; ESP Exome Variant Server 0.00008; TOPMed 0.00008; gnomAD 0.00010.
gnomAD v4.1: 79 of 1,595,790 alleles (0.005%); highest among the groups gnomAD compares: Non-Finnish European, 0.0057%; no homozygotes.

Submissions (3):

Labcorp Genetics (formerly Invitae), Labcorp
Classification: Uncertain significance for Developmental and epileptic encephalopathy, 23. Last evaluated: 2025-08-21. Review status: criteria provided, single submitter. Criteria: Invitae Variant Classification Sherloc (09022015). Collection method: clinical testing. Allele origin: germline.
Comment: This sequence change replaces arginine, which is basic and polar, with histidine, which is basic and polar, at codon 961 of the DOCK7 protein (p.Arg961His). This variant is present in population databases (rs376417713, gnomAD 0.01%). This variant has not been reported in the literature in individuals affected with DOCK7-related conditions. ClinVar contains an entry for this variant (Variation ID: 580886). Invitae Evidence Modeling of protein sequence and biophysical properties (such as structural, functional, and spatial information, amino acid conservation, physicochemical variation, residue mobility, and thermodynamic stability) has been performed for this missense variant. However, the output from this modeling did not meet the statistical confidence thresholds required to predict the impact of this variant on DOCK7 protein function. In summary, the available evidence is currently insufficient to determine the role of this variant in disease. Therefore, it has been classified as a Variant of Uncertain Significance.

Ambry Genetics
Classification: Uncertain significance for Inborn genetic diseases. Last evaluated: 2025-02-19. Review status: criteria provided, single submitter. Criteria: Ambry Variant Classification Scheme 2023. Collection method: clinical testing. Allele origin: germline.

Genome-Nilou Lab
Classification: Uncertain significance for Developmental and epileptic encephalopathy, 23. Last evaluated: 2023-04-11. Review status: criteria provided, single submitter. Criteria: ACMG Guidelines, 2015. Collection method: clinical testing. Allele origin: germline. Affected: no.

NM_001367561.1(DOCK7):c.2882G>A (p.Arg961His)

Gene: DOCK7 (dedicator of cytokinesis 7; minus strand). Cytogenetic location: 1p31.3.
Variant type: single nucleotide variant.
Coding change: c.2882G>A on transcript NM_001367561.1 (MANE Select); coding-DNA position 2882, G replaced by A.
Protein change: p.Arg961His; replaces arginine 961 with histidine.
Molecular consequence: missense variant.
Genome position (GRCh38, 1-based): chr1:62,543,723, C>T on the plus strand (G>A on the coding strand, the complement: DOCK7 is on the minus strand). VCF-style: chr1-62543723-C-T. GRCh37 (hg19) VCF-style: chr1-63009394-C-T.
Other names: c.2882G>A, p.Arg961His (NM_001271999.2, NM_001330614.2); c.2789G>A, p.Arg930His (NM_001272000.2, NM_001272001.2, NM_033407.4); c.2789G>A (NM_033407.2); short protein forms R961H, R930H.
Identifiers: ClinVar variation 580886 (VCV000580886.11), dbSNP rs376417713, ClinGen allele CA886145.
Genomic context (GRCh38, chr1:62,543,723, plus strand): 5'-GTTGGTAAGCGTCCCGTTAATGTTTGTAAGAAACTTGACGTCTCTGTGTGCGAAGACATA[C>T]GATTACAACTTCGATCCATAGCCTATGGAGTGAAGATGAATGAATGACGAGATAACATTA-3'
Protein context (NP_001354490.1, residues 951-971): STQAMDRSCN[Arg961His]MSSHTETSSF